The following is an entry in ClinVar:

NM_000061.3(BTK):c.1819G>A (p.Ala607Thr)

Gene: BTK (Bruton tyrosine kinase; minus strand). Cytogenetic location: Xq22.1.
Variant type: single nucleotide variant.
Coding change: c.1819G>A on transcript NM_000061.3 (MANE Select); coding-DNA position 1819, G replaced by A.
Protein change: p.Ala607Thr; replaces alanine 607 with threonine.
Molecular consequence: missense variant.
Genome position (GRCh38, 1-based): chrX:101,353,283, C>T on the plus strand (G>A on the coding strand, the complement: BTK is on the minus strand). VCF-style: chrX-101353283-C-T. GRCh37 (hg19) VCF-style: chrX-100608271-C-T.
Other names: c.1921G>A, p.Ala641Thr (NM_001287344.2); c.1291G>A, p.Ala431Thr (NM_001287345.2); short protein forms A607T, A431T, A641T.
Identifiers: ClinVar variation 1962835 (VCV001962835.5), dbSNP rs1926356495, ClinGen allele CA413919079.

ClinVar aggregate classification (germline): Uncertain significance (1 of 4 stars; one submission).

Conditions:
X-linked agammaglobulinemia with growth hormone deficiency (IGHD3). Also called: ISOLATED GROWTH HORMONE DEFICIENCY, TYPE III, WITH AGAMMAGLOBULINEMIA; AGAMMAGLOBULINEMIA AND ISOLATED GROWTH HORMONE DEFICIENCY, X-LINKED; FLEISHER SYNDROME; HYPOGAMMAGLOBULINEMIA AND ISOLATED GROWTH HORMONE DEFICIENCY, X-LINKED; IGHD III; Isolated growth hormone deficiency type 3. Identifiers: Orphanet 231692, Orphanet 631, MedGen C0472813, MONDO:0010615, OMIM 307200.

Allele frequency attached by ClinVar (database versions not stated): TOPMed 0.00001.

Submission:

Labcorp Genetics (formerly Invitae), Labcorp
Classification: Uncertain significance for X-linked agammaglobulinemia with growth hormone deficiency. Last evaluated: 2022-04-12. Review status: criteria provided, single submitter. Criteria: Invitae Variant Classification Sherloc (09022015). Collection method: clinical testing. Allele origin: germline.
Comment: This sequence change replaces alanine, which is neutral and non-polar, with threonine, which is neutral and polar, at codon 607 of the BTK protein (p.Ala607Thr). This variant is not present in population databases (gnomAD no frequency). This variant has not been reported in the literature in individuals affected with BTK-related conditions. Advanced modeling of protein sequence and biophysical properties (such as structural, functional, and spatial information, amino acid conservation, physicochemical variation, residue mobility, and thermodynamic stability) performed at Invitae indicates that this missense variant is not expected to disrupt BTK protein function. In summary, the available evidence is currently insufficient to determine the role of this variant in disease. Therefore, it has been classified as a Variant of Uncertain Significance.